The following is an entry in ClinVar:

ClinVar aggregate classification (germline): Pathogenic (1 of 4 stars; one submission).

Submission:

GeneDx
Classification: Pathogenic. Last evaluated: 2024-03-19. Review status: criteria provided, single submitter. Criteria: GeneDx Variant Classification Process June 2021. Collection method: clinical testing. Allele origin: germline. Affected: yes.
Comment: Nonsense variant predicted to result in protein truncation or nonsense mediated decay in a gene for which loss-of-function is a known mechanism of disease; Not observed at significant frequency in large population cohorts (gnomAD); Has not been previously published as pathogenic or benign to our knowledge; This variant is associated with the following publications: (PMID: 27535533)

NM_006618.5(KDM5B):c.941T>G (p.Leu314Ter)

Gene: KDM5B (lysine demethylase 5B; minus strand). Cytogenetic location: 1q32.1.
Variant type: single nucleotide variant.
Coding change: c.941T>G on transcript NM_006618.5 (MANE Select); coding-DNA position 941, T replaced by G.
Protein change: p.Leu314Ter; replaces leucine 314 with a stop codon.
Molecular consequence: nonsense.
Genome position (GRCh38, 1-based): chr1:202,760,551, A>C on the plus strand (T>G on the coding strand, the complement: KDM5B is on the minus strand). VCF-style: chr1-202760551-A-C. GRCh37 (hg19) VCF-style: chr1-202729679-A-C.
Other names: c.1049T>G, p.Leu350Ter (NM_001314042.2); c.806T>G, p.Leu269Ter (NM_001347591.2); c.926T>G, p.Leu309Ter (NM_001399817.1); short protein forms L269*, L309*, L314*, L350*.
Identifiers: ClinVar variation 3341020 (VCV003341020.1).
Genomic context (GRCh38, chr1:202,760,551, plus strand): 5'-TAACTGTCATCACAGCCATCACACAACAGTAGCCGGTCTTCATCATTGCCACTGCCACAT[A>C]AAAGACAGACATACAGGTCCACCTGTAGCAATAAAAGTGGGTACAGAACAAAGGAACATG-3'